The following is an entry in ClinVar:

ClinVar aggregate classification (germline): Benign/Likely benign. Review status: criteria provided, multiple submitters, no conflicts (2 of 4 stars). 3 submissions from 3 submitters: Benign (1); Likely benign (1). 1 of the submissions does not count toward it. Last evaluated 2025-02-04.

Conditions:
WASHC5-related disorder. Also called: WASHC5-related condition.
Hereditary spastic paraplegia 8 (SPG8). Also called: SPASTIC PARAPLEGIA 8, AUTOSOMAL DOMINANT. Identifiers: Orphanet 100989, MedGen C1863704, MONDO:0011339, OMIM 603563.
Ritscher-Schinzel syndrome. Also called: CRANIOCEREBELLOCARDIAC DYSPLASIA. Identifiers: Orphanet 7, MedGen C0796137, MONDO:0019078.

Allele frequency attached by ClinVar (database versions not stated): gnomAD exomes 0.00012 and 0.00007; gnomAD 0.00003 and 0.00002; TOPMed 0.00003; ExAC 0.00012.
gnomAD v4.1: 110 of 1,614,112 alleles (0.0068%); highest among the groups gnomAD compares: South Asian, 0.051%; no homozygotes.

Submissions (3):

Labcorp Genetics (formerly Invitae), Labcorp
Classification: Likely benign for Ritscher-Schinzel syndrome; Hereditary spastic paraplegia 8. Last evaluated: 2025-02-04. Review status: criteria provided, single submitter. Criteria: Invitae Variant Classification Sherloc (09022015). Collection method: clinical testing. Allele origin: germline.

Athena Diagnostics
Classification: Benign. Last evaluated: 2017-01-31. Review status: criteria provided, single submitter. Criteria: Athena Diagnostics Criteria. Collection method: clinical testing. Allele origin: germline.

PreventionGenetics, part of Exact Sciences
Classification: Likely benign for WASHC5-related condition. Last evaluated: 2022-02-03. Review status: no assertion criteria provided. Collection method: clinical testing. Allele origin: germline. Not counted in ClinVar's aggregate classification.
Comment: This variant is classified as likely benign based on ACMG/AMP sequence variant interpretation guidelines (Richards et al. 2015 PMID: 25741868, with internal and published modifications).

NM_014846.4(WASHC5):c.1968G>A (p.Leu656=)

Gene: WASHC5 (WASH complex subunit 5; minus strand). Cytogenetic location: 8q24.13.
Variant type: single nucleotide variant.
Coding change: c.1968G>A on transcript NM_014846.4 (MANE Select); coding-DNA position 1968, G replaced by A.
Protein change: p.Leu656=; no amino-acid change (leucine 656 retained).
Molecular consequence: synonymous variant.
Genome position (GRCh38, 1-based): chr8:125,056,725, C>T on the plus strand (G>A on the coding strand, the complement: WASHC5 is on the minus strand). VCF-style: chr8-125056725-C-T. GRCh37 (hg19) VCF-style: chr8-126068967-C-T.
Other names: c.1524G>A, p.Leu508= (NM_001330609.2).
Identifiers: ClinVar variation 448883 (VCV000448883.6), dbSNP rs750122277, ClinGen allele CA4873669.